The following is an entry in ClinVar:

ClinVar aggregate classification (germline): Benign. Review status: criteria provided, multiple submitters, no conflicts (2 of 4 stars). 3 submissions from 3 submitters: Benign (3). Last evaluated 2023-03-15.

Allele frequency attached by ClinVar (database versions not stated): ExAC 0.00390; gnomAD 0.01232 and 0.01312; TOPMed 0.01405; ESP Exome Variant Server 0.01430; 1000 Genomes Project 0.01458; 1000 Genomes Project 30x 0.01577.
gnomAD v4.1: 3,710 of 1,614,210 alleles (0.23%); highest among the groups gnomAD compares: African/African-American, 4.4%; 75 homozygotes.

Submissions (7):

Mayo Clinic Laboratories, Mayo Clinic
Classification: Benign. Last evaluated: 2023-03-15. Review status: criteria provided, single submitter. Criteria: ACMG Guidelines, 2015. Collection method: clinical testing. Allele origin: germline. Observed: 4 variant alleles.
Comment: BS1, BS2, BP4, BP7

Labcorp Genetics (formerly Invitae), Labcorp
Classification: Benign. Last evaluated: 2018-04-04. Review status: criteria provided, single submitter. Criteria: Invitae Variant Classification Sherloc (09022015). Collection method: clinical testing. Allele origin: germline.

Breakthrough Genomics
Classification: Benign. Review status: criteria provided, single submitter. Criteria: ACMG Guidelines, 2015. Collection method: not provided. Allele origin: germline. Inheritance: Autosomal dominant inheritance. Affected: yes.

Dr. Peter K. Rogan Lab, Western University
No classification provided (evidence only). Condition: Colon adenocarcinoma. Review status: no classification provided. Collection method: in vitro. Allele origin: not applicable. Functional consequence: skipped exon. Not counted in ClinVar's aggregate classification.

Dr. Peter K. Rogan Lab, Western University
No classification provided (evidence only). Condition: Hepatocellular carcinoma. Review status: no classification provided. Collection method: in vitro. Allele origin: not applicable. Functional consequence: retained intron. Not counted in ClinVar's aggregate classification.

Dr. Peter K. Rogan Lab, Western University
No classification provided (evidence only). Condition: Cholangiocarcinoma. Review status: no classification provided. Collection method: in vitro. Allele origin: not applicable. Functional consequence: retained intron. Not counted in ClinVar's aggregate classification.

Dr. Peter K. Rogan Lab, Western University
No classification provided (evidence only). Condition: Gastric cancer. Review status: no classification provided. Collection method: in vitro. Allele origin: not applicable. Functional consequence: retained intron. Not counted in ClinVar's aggregate classification.

NM_001377137.1(GBF1):c.4326A>G (p.Lys1442=)

Gene: GBF1 (golgi brefeldin A resistant guanine nucleotide exchange factor 1; plus strand). Cytogenetic location: 10q24.32.
Variant type: single nucleotide variant.
Coding change: c.4326A>G on transcript NM_001377137.1 (MANE Select); coding-DNA position 4326, A replaced by G.
Protein change: p.Lys1442=; no amino-acid change (lysine 1442 retained).
Molecular consequence: synonymous variant. On other transcripts: non-coding transcript variant (5).
Genome position (GRCh38, 1-based): chr10:102,376,972, A>G. VCF-style: chr10-102376972-A-G. GRCh37 (hg19) VCF-style: chr10-104136729-A-G.
Other names: NC_000010.10:g.104136729A>G; p.Lys1441=; c.4326A>G, p.Lys1442= (NM_001199378.2, NM_001391923.1); c.4323A>G, p.Lys1441= (NM_001199379.2, NM_001377141.1, NM_001391924.1 and 3 more transcripts); c.4287A>G, p.Lys1429= (NM_001377138.1, NM_001391925.1); c.4029A>G, p.Lys1343= (NM_001377139.1, NM_001377140.1); c.4422A>G, p.Lys1474= (NM_001391922.1); c.4290A>G, p.Lys1430= (NM_001391926.1); and 3 more.
Identifiers: ClinVar variation 774560 (VCV000774560.6), dbSNP rs79933482, ClinGen allele CA5664027.
Genomic context (GRCh38, chr10:102,376,972, plus strand): 5'-GACCTGAGTCTGGCTCTGCTCAGGATGCAAGTCCCAGGAGAAACGTGGCAAGAGTCACAA[A>G]TATGACAGCAAAGGGAACCGCTTCAAGAAGAAATCCAAAGAGGGATCAATGCTTCGCCGG-3'
Protein context (NP_001364066.1, residues 1432-1452): KSQEKRGKSH[Lys1442=]YDSKGNRFKK